The following is an entry in ClinVar:

ClinVar aggregate classification (germline): Uncertain significance. Review status: criteria provided, multiple submitters, no conflicts (2 of 4 stars). 2 submissions from 2 submitters: Uncertain significance (2). Last evaluated 2025-06-19.

Conditions:
Neonatal-onset encephalopathy with rigidity and seizures. Also called: Lethal neonatal spasticity-epileptic encephalopathy syndrome. Identifiers: Orphanet 435845, MedGen C3281029, MONDO:0013784, OMIM 614498.

Submissions (2):

Labcorp Genetics (formerly Invitae), Labcorp
Classification: Uncertain significance for Neonatal-onset encephalopathy with rigidity and seizures. Last evaluated: 2025-06-19. Review status: criteria provided, single submitter. Criteria: Invitae Variant Classification Sherloc (09022015). Collection method: clinical testing. Allele origin: germline.
Comment: This variant, c.597_598delinsTT, is a complex sequence change that results in the deletion of 2 and insertion of 2 amino acid(s) in the BRAT1 protein (p.Met199_Asp200delinsIleTyr). Information on the frequency of this variant in the gnomAD database is not available, as this variant may be reported differently in the database. This variant has not been reported in the literature in individuals affected with BRAT1-related conditions. ClinVar contains an entry for this variant (Variation ID: 642966). Experimental studies and prediction algorithms are not available or were not evaluated, and the functional significance of this variant is currently unknown. In summary, the available evidence is currently insufficient to determine the role of this variant in disease. Therefore, it has been classified as a Variant of Uncertain Significance.

GeneDx
Classification: Uncertain significance. Last evaluated: 2019-06-04. Review status: criteria provided, single submitter. Criteria: GeneDx Variant Classification Process June 2021. Collection method: clinical testing. Allele origin: germline. Affected: yes.
Comment: Not observed in large population cohorts (Lek et al., 2016); In silico analysis, which includes protein predictors and evolutionary conservation, supports that this variant does not alter protein structure/function; Has not been previously published as pathogenic or benign to our knowledge

NM_152743.4(BRAT1):c.597_598delinsTT (p.Met199_Asp200delinsIleTyr)

Gene: BRAT1 (BRCA1 associated ATM activator 1; minus strand). Cytogenetic location: 7p22.3.
Variant type: Indel.
Coding change: c.597_598delinsTT on transcript NM_152743.4 (MANE Select); coding-DNA positions 597 to 598, GG replaced by TT.
Protein change: p.Met199_Asp200delinsIleTyr.
Molecular consequence: missense variant. On other transcripts: non-coding transcript variant (1).
Genome position (GRCh38, 1-based): chr7:2,543,795-2,543,796, CC replaced by AA on the plus strand (GG replaced by TT on the coding strand, the reverse complement: BRAT1 is on the minus strand). VCF-style: chr7-2543795-CC-AA. GRCh37 (hg19) VCF-style: chr7-2583429-CC-AA.
Other names: c.597_598delinsTT, p.Met199_Asp200delinsIleTyr (NM_001350626.2); c.72_73delinsTT, p.Met24_Asp25delinsIleTyr (NM_001350627.2); c.597_598delGGinsTT (NM_152743.3).
Identifiers: ClinVar variation 642966 (VCV000642966.6), dbSNP rs1583311462, ClinGen allele CA915944817.